The following is an entry in ClinVar:

NM_004360.5(CDH1):c.1492G>A (p.Asp498Asn)

Gene: CDH1 (cadherin 1; plus strand). Cytogenetic location: 16q22.1.
Variant type: single nucleotide variant.
Coding change: c.1492G>A on transcript NM_004360.5 (MANE Select); coding-DNA position 1492, G replaced by A.
Protein change: p.Asp498Asn; replaces aspartic acid 498 with asparagine.
Molecular consequence: missense variant. On other transcripts: 5 prime UTR variant (2).
Genome position (GRCh38, 1-based): chr16:68,815,686, G>A. VCF-style: chr16-68815686-G-A. GRCh37 (hg19) VCF-style: chr16-68849589-G-A.
Other names: c.-328G>A (NM_001317186.2); c.1309G>A, p.Asp437Asn (NM_001317184.2); c.-57G>A (NM_001317185.2); c.1492G>A (NM_004360.4); short protein forms D437N, D498N.
Identifiers: ClinVar variation 1215732 (VCV001215732.18), dbSNP rs2152135021, ClinGen allele CA396463213.

ClinVar aggregate classification (germline): Conflicting classifications of pathogenicity. Review status: criteria provided, conflicting classifications (1 of 4 stars). 6 submissions from 6 submitters: Uncertain significance (5); Likely benign (1). Last evaluated 2026-01-15.

Conditions:
Familial cancer of breast. Also called: Hereditary breast cancer; BREAST CANCER, FAMILIAL; hereditary breast carcinoma. Identifiers: Orphanet 227535, MedGen C0346153, MONDO:0016419, OMIM 114480. Disease mechanism: loss of function.
Blepharocheilodontic syndrome 1 (BCDS1). Identifiers: Orphanet 1997, MedGen C4551988, MONDO:0054740, OMIM 119580.
Endometrial carcinoma. Also called: Endometrial carcinoma, somatic. Identifiers: MedGen C0476089, MONDO:0002447, OMIM 608089, HP:0012114.
Hereditary diffuse gastric adenocarcinoma (HDGC). Also called: DIFFUSE GASTRIC AND LOBULAR BREAST CANCER SYNDROME. Identifiers: Orphanet 26106, MedGen C1708349, MONDO:0007648, OMIM 137215.
Ovarian neoplasm. Also called: Ovarian tumor; Ovarian Neoplasms; Neoplasm of ovary. Identifiers: MedGen C0919267, MeSH D010051, MONDO:0021068, HP:0100615.
Prostate cancer. Also called: Malignant tumor of prostate. Identifiers: Orphanet 1331, MedGen C0376358, MONDO:0008315, HP:0012125.
Hereditary cancer-predisposing syndrome. Also called: Neoplastic Syndromes, Hereditary; Hereditary Cancer Syndrome; Hereditary neoplastic syndrome; Tumor predisposition. Identifiers: Orphanet 140162, MedGen C0027672, MeSH D009386, MONDO:0015356.

gnomAD v4.1: 4 of 1,614,226 alleles (0.00025%); highest among the groups gnomAD compares: Admixed American, 0.0017%; no homozygotes.

Submissions (6):

GeneDx
Classification: Uncertain significance. Last evaluated: 2026-01-15. Review status: criteria provided, single submitter. Criteria: GeneDx Variant Classification Process June 2021. Collection method: clinical testing. Allele origin: germline. Affected: yes.
Comment: Has not been previously published as pathogenic or benign to our knowledge; Not observed in large population cohorts (gnomAD); In silico analysis supports that this missense variant has a deleterious effect on protein structure/function; This variant is associated with the following publications: (PMID: 15235021, 22850631)

Labcorp Genetics (formerly Invitae), Labcorp
Classification: Uncertain significance for Hereditary diffuse gastric adenocarcinoma. Last evaluated: 2025-08-10. Review status: criteria provided, single submitter. Criteria: Invitae Variant Classification Sherloc (09022015). Collection method: clinical testing. Allele origin: germline.
Comment: This sequence change replaces aspartic acid, which is acidic and polar, with asparagine, which is neutral and polar, at codon 498 of the CDH1 protein (p.Asp498Asn). This variant is not present in population databases (gnomAD no frequency). This variant has not been reported in the literature in individuals affected with CDH1-related conditions. ClinVar contains an entry for this variant (Variation ID: 1215732). An algorithm developed to predict the effect of missense changes on protein structure and function (PolyPhen-2) suggests that this variant is likely to be disruptive. In summary, the available evidence is currently insufficient to determine the role of this variant in disease. Therefore, it has been classified as a Variant of Uncertain Significance.

Ambry Genetics
Classification: Likely benign for Hereditary cancer-predisposing syndrome. Last evaluated: 2025-03-03. Review status: criteria provided, single submitter. Criteria: Ambry Variant Classification Scheme 2023. Collection method: clinical testing. Allele origin: germline.

Women's Health and Genetics/Laboratory Corporation of America, LabCorp
Classification: Uncertain significance. Last evaluated: 2024-08-09. Review status: criteria provided, single submitter. Criteria: LabCorp Variant Classification Summary - May 2015. Collection method: clinical testing. Allele origin: germline.

Quest Diagnostics Nichols Institute San Juan Capistrano
Classification: Uncertain significance. Last evaluated: 2022-10-07. Review status: criteria provided, single submitter. Criteria: Quest Diagnostics criteria. Collection method: clinical testing. Allele origin: unknown.
Comment: The variant has not been reported in the published literature. It also has not been reported in large, multi-ethnic general populations. Analysis of this variant using a bioinformatics tool for the prediction of the effect of amino acid changes on protein structure and function yielded a prediction that this variant is benign. Based on the available information, we are unable to determine the clinical significance of this variant.

Fulgent Genetics
Classification: Uncertain significance for Familial cancer of breast; Blepharocheilodontic syndrome 1; Hereditary diffuse gastric adenocarcinoma; Ovarian cancer; Familial prostate cancer; Endometrial carcinoma. Last evaluated: 2022-03-16. Review status: criteria provided, single submitter. Criteria: ACMG Guidelines, 2015. Collection method: clinical testing. Allele origin: unknown.